The following is an entry in ClinVar:

NM_000218.3(KCNQ1):c.887T>C (p.Phe296Ser)

Gene: KCNQ1 (potassium voltage-gated channel subfamily Q member 1; plus strand). Cytogenetic location: 11p15.5.
Variant type: single nucleotide variant.
Coding change: c.887T>C on transcript NM_000218.3 (MANE Select); coding-DNA position 887, T replaced by C.
Protein change: p.Phe296Ser; replaces phenylalanine 296 with serine.
Molecular consequence: missense variant.
Genome position (GRCh38, 1-based): chr11:2,572,952, T>C. VCF-style: chr11-2572952-T-C. GRCh37 (hg19) VCF-style: chr11-2594182-T-C.
Other names: c.887T>C (LRG_287t1); c.887T>C, p.Phe296Ser (NM_001406836.1); c.617T>C, p.Phe206Ser (NM_001406837.1); c.506T>C, p.Phe169Ser (NM_181798.2); short protein forms F296S, F169S, F206S.
Identifiers: ClinVar variation 67119 (VCV000067119.11), dbSNP rs199472738, ClinGen allele CA008541.
Genomic context (GRCh38, chr11:2,572,952, plus strand): 5'-CCTCGTACTTTGTGTACCTGGCTGAGAAGGACGCGGTGAACGAGTCAGGCCGCGTGGAGT[T>C]CGGCAGCTACGCAGATGCGCTGTGGTGGGGGGTGGTAAGTCGGAAACTTCCAGGCATGGG-3'
Protein context (NP_000209.2, residues 286-306): DAVNESGRVE[Phe296Ser]GSYADALWWG

ClinVar aggregate classification (germline): Conflicting classifications of pathogenicity. Review status: criteria provided, conflicting classifications (1 of 4 stars). 3 submissions from 3 submitters: Likely pathogenic (1); Uncertain significance (1). 1 of the submissions does not count toward it. Last evaluated 2023-02-24.

Conditions:
Familial long QT syndrome (RWS). Also called: Congenital long QT syndrome; Romano-Ward syndrome; VENTRICULAR FIBRILLATION WITH PROLONGED QT INTERVAL. Identifiers: Orphanet 768, MedGen C1141890, MONDO:0019171.
Long QT syndrome (LQTS). Identifiers: MedGen C0023976, MeSH D008133, MONDO:0002442. Disease mechanism: loss of function. Inheritance: Various modes of inheritance.

Submissions (3):

All of Us Research Program, National Institutes of Health
Classification: Uncertain significance for Long QT syndrome. Last evaluated: 2023-02-24. Review status: criteria provided, single submitter. Criteria: ACMG Guidelines, 2015. Collection method: clinical testing. Allele origin: germline. Inheritance: Autosomal dominant inheritance. Observed: 1 variant allele, 1 heterozygote.
Comment: This missense variant replaces phenylalanine with serine at codon 296 of the KCNQ1 protein. Computational prediction suggests that this variant may have deleterious impact on protein structure and function (internally defined REVEL score threshold >= 0.7, PMID: 27666373). An in vitro functional study has shown that this variant causes a reduction in channel currents (PMID: 19808498). This variant has been reported in at least seven unrelated individuals affected with long QT syndrome (PMID: PMID: 17905336, 21350584, 22456477, 26318259, 26669661, 32893267). This variant has not been identified in the general population by the Genome Aggregation Database (gnomAD). The available evidence is insufficient to determine the role of this variant in disease conclusively. Therefore, this variant is classified as a Variant of Uncertain Significance.

This study involves interpretation of variants in research participants for the purpose of population health screening. Participant phenotype was not available at the time of variant classification. Additional details can be found in publication PMID: 35346344, PMCID: PMC8962531

Labcorp Genetics (formerly Invitae), Labcorp
Classification: Likely pathogenic for Long QT syndrome. Last evaluated: 2021-07-24. Review status: criteria provided, single submitter. Criteria: Invitae Variant Classification Sherloc (09022015). Collection method: clinical testing. Allele origin: germline.
Comment: In summary, the currently available evidence indicates that the variant is pathogenic, but additional data are needed to prove that conclusively. Therefore, this variant has been classified as Likely Pathogenic. This variant has been reported to affect KCNQ1 protein function (PMID: 19808498). This variant has been observed in several individuals with clinical features of long QT syndrome (LQTS) (PMID: 19808498, 17470695, 21350584, 30847666, Invitae). ClinVar contains an entry for this variant (Variation ID: 67119). This variant is not present in population databases (ExAC no frequency). This sequence change replaces phenylalanine with serine at codon 296 of the KCNQ1 protein (p.Phe296Ser). The phenylalanine residue is highly conserved and there is a large physicochemical difference between phenylalanine and serine.

Cardiovascular Biomedical Research Unit, Royal Brompton & Harefield NHS Foundation Trust
No classification provided. Condition: Familial long QT syndrome. Review status: no classification provided. Collection method: literature only. Allele origin: germline. Not counted in ClinVar's aggregate classification.
Comment: This variant has been reported as associated with Long QT syndrome in the following publications (PMID:17470695;PMID:17905336). This is a literature report, and does not necessarily reflect the clinical interpretation of the Imperial College / Royal Brompton Cardiovascular Genetics laboratory.

Literature cited by the submitters: PubMed 17905336 (cited by All of Us Research Program, National Institutes of Health and Cardiovascular Biomedical Research Unit, Royal Brompton & Harefield NHS Foundation Trust); PubMed 19808498 (cited by All of Us Research Program, National Institutes of Health and Labcorp Genetics (formerly Invitae), Labcorp); PubMed 21350584 (cited by All of Us Research Program, National Institutes of Health and Labcorp Genetics (formerly Invitae), Labcorp); PubMed 22456477 (cited by All of Us Research Program, National Institutes of Health); PubMed 26318259 (cited by All of Us Research Program, National Institutes of Health); PubMed 26669661 (cited by All of Us Research Program, National Institutes of Health); PubMed 32893267 (cited by All of Us Research Program, National Institutes of Health); PubMed 17470695 (cited by Labcorp Genetics (formerly Invitae), Labcorp and Cardiovascular Biomedical Research Unit, Royal Brompton & Harefield NHS Foundation Trust); PubMed 30847666 (cited by Labcorp Genetics (formerly Invitae), Labcorp); PubMed 22581653 (cited by Cardiovascular Biomedical Research Unit, Royal Brompton & Harefield NHS Foundation Trust).